The following is an entry in ClinVar:

NM_144687.4(NLRP12):c.744C>A (p.Phe248Leu)

Gene: NLRP12 (NLR family pyrin domain containing 12; minus strand). Cytogenetic location: 19q13.42.
Variant type: single nucleotide variant.
Coding change: c.744C>A on transcript NM_144687.4 (MANE Select); coding-DNA position 744, C replaced by A.
Protein change: p.Phe248Leu; replaces phenylalanine 248 with leucine.
Molecular consequence: missense variant.
Genome position (GRCh38, 1-based): chr19:53,810,915, G>T on the plus strand (C>A on the coding strand, the complement: NLRP12 is on the minus strand). VCF-style: chr19-53810915-G-T. GRCh37 (hg19) VCF-style: chr19-54314169-G-T.
Other names: c.744C>A, p.Phe248Leu (NM_001277126.2, NM_001277129.1); short protein forms F248L.
Identifiers: ClinVar variation 3628909 (VCV003628909.2).

ClinVar aggregate classification (germline): Uncertain significance (1 of 4 stars; one submission).

Conditions:
Familial cold autoinflammatory syndrome 2 (FCAS2). Identifiers: Orphanet 247868, MedGen C2673198, MONDO:0012724, OMIM 611762.

gnomAD v4.1: 1 of 1,614,124 alleles (0.000062%); highest among the groups gnomAD compares: Non-Finnish European, 0.000085%; no homozygotes.

Submission:

Labcorp Genetics (formerly Invitae), Labcorp
Classification: Uncertain significance for Familial cold autoinflammatory syndrome 2. Last evaluated: 2026-01-14. Review status: criteria provided, single submitter. Criteria: Invitae Variant Classification Sherloc (09022015). Collection method: clinical testing. Allele origin: germline.
Comment: This sequence change replaces phenylalanine, which is neutral and non-polar, with leucine, which is neutral and non-polar, at codon 248 of the NLRP12 protein (p.Phe248Leu). This variant is not present in population databases (gnomAD no frequency). This variant has not been reported in the literature in individuals affected with NLRP12-related conditions. ClinVar contains an entry for this variant (Variation ID: 3628909). Invitae Evidence Modeling of protein sequence and biophysical properties (such as structural, functional, and spatial information, amino acid conservation, physicochemical variation, residue mobility, and thermodynamic stability) indicates that this missense variant is not expected to disrupt NLRP12 protein function with a negative predictive value of 80%. In summary, the available evidence is currently insufficient to determine the role of this variant in disease. Therefore, it has been classified as a Variant of Uncertain Significance.